The following is an entry in ClinVar:

NM_002206.3(ITGA7):c.1506-4G>T

Gene: ITGA7 (integrin subunit alpha 7; minus strand). Cytogenetic location: 12q13.2.
Variant type: single nucleotide variant.
Coding change: c.1506-4G>T on transcript NM_002206.3 (MANE Select); 4 bases into the intron before coding-DNA position 1506, G replaced by T.
Molecular consequence: intron variant.
Genome position (GRCh38, 1-based): chr12:55,697,281, C>A on the plus strand (G>T on the coding strand, the complement: ITGA7 is on the minus strand). VCF-style: chr12-55697281-C-A. GRCh37 (hg19) VCF-style: chr12-56091065-C-A.
Other names: c.1227-4G>T (NM_001144997.2); c.1179-4G>T (NM_001367993.1); c.1167-4G>T (NM_001414035.1); c.1323-4G>T (NM_001414033.1); c.162-4G>T (NM_001367994.1); c.1386-4G>T (NM_001414032.1); c.1419-4G>T (NM_001414031.1); c.1506-4G>T (NM_001374465.1, NM_001414034.1); and 3 more.
Identifiers: ClinVar variation 3624367 (VCV003624367.2).

ClinVar aggregate classification (germline): Uncertain significance (1 of 4 stars; one submission).

Conditions:
Congenital muscular dystrophy due to integrin alpha-7 deficiency. Also called: MYOPATHY, CONGENITAL, DUE TO INTEGRIN ALPHA-7 DEFICIENCY; Muscular dystrophy, congenital, due to ITGA7 deficiency; Congenital muscular dystrophy with integrin alpha-7 deficiency. Identifiers: Orphanet 34520, MedGen C2750786, MONDO:0013177, OMIM 613204.

gnomAD v4.1: 2 of 1,591,680 alleles (0.00013%); highest among the groups gnomAD compares: Non-Finnish European, 0.00017%; no homozygotes.

Submission:

Labcorp Genetics (formerly Invitae), Labcorp
Classification: Uncertain significance for Congenital muscular dystrophy due to integrin alpha-7 deficiency. Last evaluated: 2024-08-07. Review status: criteria provided, single submitter. Criteria: Invitae Variant Classification Sherloc (09022015). Collection method: clinical testing. Allele origin: germline.
Comment: This sequence change falls in intron 10 of the ITGA7 gene. It does not directly change the encoded amino acid sequence of the ITGA7 protein. The frequency data for this variant in the population databases is considered unreliable, as metrics indicate poor data quality at this position in the gnomAD database. This variant has not been reported in the literature in individuals affected with ITGA7-related conditions. Algorithms developed to predict the effect of sequence changes on RNA splicing suggest that this variant may disrupt the consensus splice site. In summary, the available evidence is currently insufficient to determine the role of this variant in disease. Therefore, it has been classified as a Variant of Uncertain Significance.